The following is an entry in ClinVar:

NM_000077.5(CDKN2A):c.458-512T>C

Gene: CDKN2A (cyclin dependent kinase inhibitor 2A; minus strand). Cytogenetic location: 9p21.3.
Variant type: single nucleotide variant.
Coding change: c.458-512T>C on transcript NM_000077.5 (MANE Select); 512 bases into the intron before coding-DNA position 458, T replaced by C.
Molecular consequence: intron variant. On other transcripts: synonymous variant (1).
Genome position (GRCh38, 1-based): chr9:21,968,754, A>G on the plus strand (T>C on the coding strand, the complement: CDKN2A is on the minus strand). VCF-style: chr9-21968754-A-G. GRCh37 (hg19) VCF-style: chr9-21968753-A-G.
Other names: c.475T>C, p.Leu159= (NM_001195132.2); c.305-512T>C (NM_001363763.2); c.*102-512T>C (NM_058195.4); c.*381-512T>C (NM_058197.5).
Identifiers: ClinVar variation 4902766 (VCV004902766.2).
Genomic context (GRCh38, chr9:21,968,754, plus strand): 5'-TGGCGCTCCTCGGCGGAATCCCGTAGCTTCCCTACGCATGCCTGCTTCTACAAACCCACA[A>G]ATGGTTTCCGATCATTTCTGAAACAAAATGGATGCTCATTTATTCATGTGCTCTGGCTTC-3'

ClinVar aggregate classification (germline): Likely benign. Review status: criteria provided, multiple submitters, no conflicts (2 of 4 stars). 2 submissions from 2 submitters: Likely benign (2). Last evaluated 2026-05-05.

Conditions:
CDKN2A-related disorder. Also called: CDKN2A-related condition.

gnomAD v4.1: 55 of 1,535,430 alleles (0.0036%); highest among the groups gnomAD compares: East Asian, 0.11%; no homozygotes.

Submissions (2):

PreventionGenetics, part of Exact Sciences
Classification: Likely benign for CDKN2A-related condition. Last evaluated: 2026-05-05. Review status: criteria provided, single submitter. Criteria: ACMG Guidelines, 2015. Collection method: clinical testing. Allele origin: germline.
Comment: This variant is classified as likely benign based on ACMG/AMP sequence variant interpretation guidelines (Richards et al. 2015 PMID: 25741868, with internal and published modifications).

Blueprint Genetics
Classification: Likely benign. Last evaluated: 2024-06-18. Review status: criteria provided, single submitter. Criteria: ACMG Guidelines, 2015. Collection method: clinical testing. Allele origin: germline.